The following is an entry in ClinVar:

NM_000548.5(TSC2):c.1725G>A (p.Leu575=)

Gene: TSC2 (TSC complex subunit 2; plus strand). Cytogenetic location: 16p13.3.
Variant type: single nucleotide variant.
Coding change: c.1725G>A on transcript NM_000548.5 (MANE Select); coding-DNA position 1725, G replaced by A.
Protein change: p.Leu575=; no amino-acid change (leucine 575 retained).
Molecular consequence: synonymous variant.
Genome position (GRCh38, 1-based): chr16:2,070,464, G>A. VCF-style: chr16-2070464-G-A. GRCh37 (hg19) VCF-style: chr16-2120465-G-A.
Other names: c.1725G>A, p.Leu575= (NM_001077183.3, NM_001114382.3, NM_001363528.2 and 3 more transcripts); c.1614G>A, p.Leu538= (NM_001318827.2); c.1578G>A, p.Leu526= (NM_001318829.2); c.1125G>A, p.Leu375= (NM_001318831.2); c.1758G>A, p.Leu586= (NM_001318832.2).
Identifiers: ClinVar variation 467891 (VCV000467891.12), dbSNP rs747173035, ClinGen allele CA033143.
Genomic context (GRCh38, chr16:2,070,464, plus strand): 5'-GGACTGCGTTTTCACCTCCTGCGCCGTGGTGAGCTGCGTCCTCTCTCTGCAGACCAAGCT[G>A]TACACCCTGCCTGCAAGCCACGCCACGCGTGTGTATGAGATGCTGGTCAGCCACATTCAG-3'
Protein context (NP_000539.2, residues 565-585): LGLLVILQTK[Leu575=]YTLPASHATR

ClinVar aggregate classification (germline): Benign/Likely benign. Review status: criteria provided, multiple submitters, no conflicts (2 of 4 stars). 3 submissions from 3 submitters: Benign (1); Likely benign (2). Last evaluated 2026-01-20.

Conditions:
Tuberous sclerosis 2 (TSC2). Identifiers: Orphanet 805, MedGen C1860707, MONDO:0013199, OMIM 613254.
Hereditary cancer-predisposing syndrome. Also called: Hereditary neoplastic syndrome; Neoplastic Syndromes, Hereditary; Tumor predisposition; Hereditary Cancer Syndrome. Identifiers: Orphanet 140162, MedGen C0027672, MeSH D009386, MONDO:0015356.

Allele frequency attached by ClinVar (database versions not stated): ExAC 0.00001.
gnomAD v4.1: 3 of 1,613,368 alleles (0.00019%); highest among the groups gnomAD compares: Middle Eastern, 0.033%; no homozygotes.

Submissions (3):

Labcorp Genetics (formerly Invitae), Labcorp
Classification: Likely benign for Tuberous sclerosis 2. Last evaluated: 2026-01-20. Review status: criteria provided, single submitter. Criteria: Invitae Variant Classification Sherloc (09022015). Collection method: clinical testing. Allele origin: germline.

Myriad Genetics, Inc.
Classification: Benign for Tuberous sclerosis 2. Last evaluated: 2025-05-15. Review status: criteria provided, single submitter. Criteria: Myriad Autosomal Dominant, Autosomal Recessive and X-Linked Classification Criteria (2023). Collection method: clinical testing. Allele origin: unknown.
Comment: This variant is considered benign. This variant is a silent/synonymous amino acid change and it is not expected to impact splicing.

Ambry Genetics
Classification: Likely benign for Hereditary cancer-predisposing syndrome. Last evaluated: 2022-09-19. Review status: criteria provided, single submitter. Criteria: Ambry Variant Classification Scheme 2023. Collection method: clinical testing. Allele origin: germline.